The following is an entry in ClinVar:

NM_001103.4(ACTN2):c.1511T>C (p.Leu504Pro)

Gene: ACTN2 (actinin alpha 2; plus strand). Cytogenetic location: 1q43.
Variant type: single nucleotide variant.
Coding change: c.1511T>C on transcript NM_001103.4 (MANE Select); coding-DNA position 1511, T replaced by C.
Protein change: p.Leu504Pro; replaces leucine 504 with proline.
Molecular consequence: missense variant.
Genome position (GRCh38, 1-based): chr1:236,747,771, T>C. VCF-style: chr1-236747771-T-C. GRCh37 (hg19) VCF-style: chr1-236911071-T-C.
Other names: c.1511T>C, p.Leu504Pro (NM_001278343.2); c.887T>C, p.Leu296Pro (NM_001278344.2); short protein forms L296P, L504P.
Identifiers: ClinVar variation 1053095 (VCV001053095.10), dbSNP rs1659281594, ClinGen allele CA345384234.

ClinVar aggregate classification (germline): Uncertain significance (1 of 4 stars; one submission).

Conditions:
Dilated cardiomyopathy 1AA (CMD1AA). Also called: Cardiomyopathy, dilated, 1AA, with or without LVNC; CARDIOMYOPATHY, DILATED, 1AA, WITH OR WITHOUT LEFT VENTRICULAR NONCOMPACTION; CARDIOMYOPATHY, FAMILIAL HYPERTROPHIC, 23, WITH OR WITHOUT LEFT VENTRICULAR NONCOMPACTION. Identifiers: Orphanet 154, MedGen C2677338, MONDO:0012808, OMIM 612158.
Primary familial hypertrophic cardiomyopathy (HCM). Identifiers: Orphanet 99739, MedGen C0949658, MeSH D024741, MONDO:0024573. Inheritance: Various modes of inheritance.

Allele frequency attached by ClinVar (database versions not stated): TOPMed below 0.00001; gnomAD 0.00001.
gnomAD v4.1: 1 of 1,612,310 alleles (0.000062%); highest among the groups gnomAD compares: Admixed American, 0.0017%; no homozygotes.

Submission:

Labcorp Genetics (formerly Invitae), Labcorp
Classification: Uncertain significance for Primary familial hypertrophic cardiomyopathy; Dilated cardiomyopathy 1AA. Last evaluated: 2020-01-21. Review status: criteria provided, single submitter. Criteria: Invitae Variant Classification Sherloc (09022015). Collection method: clinical testing. Allele origin: germline.
Comment: This sequence change replaces leucine with proline at codon 504 of the ACTN2 protein (p.Leu504Pro). The leucine residue is highly conserved and there is a moderate physicochemical difference between leucine and proline. This variant is not present in population databases (ExAC no frequency). This variant has not been reported in the literature in individuals with ACTN2-related conditions. Algorithms developed to predict the effect of missense changes on protein structure and function (SIFT, PolyPhen-2, Align-GVGD) all suggest that this variant is likely to be disruptive, but these predictions have not been confirmed by published functional studies and their clinical significance is uncertain. In summary, the available evidence is currently insufficient to determine the role of this variant in disease. Therefore, it has been classified as a Variant of Uncertain Significance.